The following is an entry in ClinVar:

NM_000020.3(ACVRL1):c.968A>C (p.Lys323Thr)

Gene: ACVRL1 (activin A receptor like type 1; plus strand). Cytogenetic location: 12q13.13.
Variant type: single nucleotide variant.
Coding change: c.968A>C on transcript NM_000020.3 (MANE Select); coding-DNA position 968, A replaced by C.
Protein change: p.Lys323Thr; replaces lysine 323 with threonine.
Molecular consequence: missense variant.
Genome position (GRCh38, 1-based): chr12:51,915,420, A>C. VCF-style: chr12-51915420-A-C. GRCh37 (hg19) VCF-style: chr12-52309204-A-C.
Other names: c.968A>C, p.Lys323Thr (NM_001077401.2, NM_001406487.1, NM_001406488.1 and 1 more transcripts); c.656A>C, p.Lys219Thr (NM_001406490.1, NM_001406491.1, NM_001406492.1 and 2 more transcripts); c.404A>C, p.Lys135Thr (NM_001406495.1); short protein forms K135T, K219T, K323T.
Identifiers: ClinVar variation 1714961 (VCV001714961.5), dbSNP rs2540164694, ClinGen allele CA384901356.

ClinVar aggregate classification (germline): Likely pathogenic (1 of 4 stars; one submission).

Conditions:
Telangiectasia, hereditary hemorrhagic, type 2 (HHT2). Also called: ACVRL1-Related Hereditary Hemorrhagic Telangiectasia; Telangiectasia, hereditary hemorrhagic, type II. Identifiers: Orphanet 774, MedGen C1838163, MONDO:0010880, OMIM 600376. Disease mechanism: loss of function.

Submission:

Labcorp Genetics (formerly Invitae), Labcorp
Classification: Likely pathogenic for Telangiectasia, hereditary hemorrhagic, type 2. Last evaluated: 2024-02-14. Review status: criteria provided, single submitter. Criteria: Invitae Variant Classification Sherloc (09022015). Collection method: clinical testing. Allele origin: germline.
Comment: This sequence change replaces lysine, which is basic and polar, with threonine, which is neutral and polar, at codon 323 of the ACVRL1 protein (p.Lys323Thr). This variant is not present in population databases (gnomAD no frequency). This missense change has been observed in individual(s) with hereditary hemorrhagic telangiectasia (Invitae). ClinVar contains an entry for this variant (Variation ID: 1714961). Advanced modeling of protein sequence and biophysical properties (such as structural, functional, and spatial information, amino acid conservation, physicochemical variation, residue mobility, and thermodynamic stability) performed at Invitae indicates that this missense variant is expected to disrupt ACVRL1 protein function with a positive predictive value of 95%. In summary, the currently available evidence indicates that the variant is pathogenic, but additional data are needed to prove that conclusively. Therefore, this variant has been classified as Likely Pathogenic.